The following is an entry in ClinVar:

NM_006218.4(PIK3CA):c.1696C>T (p.Pro566Ser)

Gene: PIK3CA (phosphatidylinositol-4,5-bisphosphate 3-kinase catalytic subunit alpha; plus strand). Cytogenetic location: 3q26.32.
Variant type: single nucleotide variant.
Coding change: c.1696C>T on transcript NM_006218.4 (MANE Select); coding-DNA position 1696, C replaced by T.
Protein change: p.Pro566Ser; replaces proline 566 with serine.
Molecular consequence: missense variant.
Genome position (GRCh38, 1-based): chr3:179,219,227, C>T. VCF-style: chr3-179219227-C-T. GRCh37 (hg19) VCF-style: chr3-178937015-C-T.
Other names: short protein forms P566S.
Identifiers: ClinVar variation 1778232 (VCV001778232.6), dbSNP rs996189594, ClinGen allele CA88527721.

ClinVar aggregate classification (germline): Uncertain significance. Review status: criteria provided, multiple submitters, no conflicts (2 of 4 stars). 2 submissions from 2 submitters: Uncertain significance (2). Last evaluated 2025-10-22.

Conditions:
Inborn genetic diseases. Identifiers: MedGen C0950123, MeSH D030342.
Cowden syndrome (CS). Also called: Cowden's disease; Cowden's syndrome; Cowden disease. Identifiers: Orphanet 201, MedGen C0018553, MONDO:0016063. Disease mechanism: gain of function.

Allele frequency attached by ClinVar (database versions not stated): gnomAD exomes below 0.00001; TOPMed below 0.00001.
gnomAD v4.1: 1 of 1,605,376 alleles (0.000062%); highest among the groups gnomAD compares: Non-Finnish European, 0.000085%; no homozygotes.

Submissions (2):

Ambry Genetics
Classification: Uncertain significance for Inborn genetic diseases. Last evaluated: 2025-10-22. Review status: criteria provided, single submitter. Criteria: Ambry Variant Classification Scheme 2023. Collection method: clinical testing. Allele origin: germline.

Labcorp Genetics (formerly Invitae), Labcorp
Classification: Uncertain significance for Cowden syndrome. Last evaluated: 2023-03-02. Review status: criteria provided, single submitter. Criteria: Invitae Variant Classification Sherloc (09022015). Collection method: clinical testing. Allele origin: germline.
Comment: Advanced modeling of protein sequence and biophysical properties (such as structural, functional, and spatial information, amino acid conservation, physicochemical variation, residue mobility, and thermodynamic stability) has been performed at Invitae for this missense variant, however the output from this modeling did not meet the statistical confidence thresholds required to predict the impact of this variant on PIK3CA protein function. This sequence change replaces proline, which is neutral and non-polar, with serine, which is neutral and polar, at codon 566 of the PIK3CA protein (p.Pro566Ser). This variant is not present in population databases (gnomAD no frequency). This variant has not been reported in the literature in individuals affected with PIK3CA-related conditions. ClinVar contains an entry for this variant (Variation ID: 1778232). In summary, the available evidence is currently insufficient to determine the role of this variant in disease. Therefore, it has been classified as a Variant of Uncertain Significance.